The following is an entry in ClinVar:

ClinVar aggregate classification (germline): Likely pathogenic (1 of 4 stars; one submission).

Conditions:
Renal carnitine transport defect (CDSP). Also called: Primary carnitine deficiency; Systemic primary carnitine deficiency disease; CARNITINE DEFICIENCY, SYSTEMIC, DUE TO DEFECT IN RENAL REABSORPTION OF CARNITINE; CARNITINE TRANSPORTER, PLASMA-MEMBRANE, DEFICIENCY OF; CARNITINE UPTAKE DEFECT; Carnitine transporter deficiency. Identifiers: Orphanet 158, MedGen C0342788, MONDO:0008919, OMIM 212140.

Submission:

Labcorp Genetics (formerly Invitae), Labcorp
Classification: Likely pathogenic for Renal carnitine transport defect. Last evaluated: 2024-01-08. Review status: criteria provided, single submitter. Criteria: Invitae Variant Classification Sherloc (09022015). Collection method: clinical testing. Allele origin: germline.
Comment: This sequence change replaces tyrosine, which is neutral and polar, with asparagine, which is neutral and polar, at codon 84 of the SLC22A5 protein (p.Tyr84Asn). This variant is not present in population databases (gnomAD no frequency). This missense change has been observed in individual(s) with primary carnitine deficiency (PMID: 33181153). Advanced modeling of protein sequence and biophysical properties (such as structural, functional, and spatial information, amino acid conservation, physicochemical variation, residue mobility, and thermodynamic stability) performed at Invitae indicates that this missense variant is expected to disrupt SLC22A5 protein function with a positive predictive value of 95%. In summary, the currently available evidence indicates that the variant is pathogenic, but additional data are needed to prove that conclusively. Therefore, this variant has been classified as Likely Pathogenic.

Literature cited by the submitters: PubMed 33181153.

NM_003060.4(SLC22A5):c.250T>A (p.Tyr84Asn)

Gene: SLC22A5 (solute carrier family 22 member 5; plus strand). Cytogenetic location: 5q31.1.
Variant type: single nucleotide variant.
Coding change: c.250T>A on transcript NM_003060.4 (MANE Select); coding-DNA position 250, T replaced by A.
Protein change: p.Tyr84Asn; replaces tyrosine 84 with asparagine.
Molecular consequence: missense variant.
Genome position (GRCh38, 1-based): chr5:132,370,222, T>A. VCF-style: chr5-132370222-T-A. GRCh37 (hg19) VCF-style: chr5-131705914-T-A.
Other names: c.250T>A, p.Tyr84Asn (NM_001308122.2); short protein forms Y84N.
Identifiers: ClinVar variation 2734781 (VCV002734781.3), dbSNP rs2532089356, ClinGen allele CA360802672.